The following is an entry in ClinVar:

NM_000478.6(ALPL):c.62-1G>C

Gene: ALPL (alkaline phosphatase, biomineralization associated; plus strand). Cytogenetic location: 1p36.12.
Variant type: single nucleotide variant.
Coding change: c.62-1G>C on transcript NM_000478.6 (MANE Select); the canonical splice acceptor site of the intron before coding-DNA position 62, G replaced by C.
Molecular consequence: splice acceptor variant.
Genome position (GRCh38, 1-based): chr1:21,560,625, G>C. VCF-style: chr1-21560625-G-C. GRCh37 (hg19) VCF-style: chr1-21887118-G-C.
Other names: c.62-1G>C (NM_001369805.2, NM_001369804.2, NM_001369803.2); c.-104-1G>C (NM_001127501.4); c.-54-1G>C (NM_001177520.3).
Identifiers: ClinVar variation 3579701 (VCV003579701.3).
Genomic context (GRCh38, chr1:21,560,625, plus strand): 5'-TACGTCTGGAGATAGGAGGCTATCCTTACCCCGCCAAGTAACTGCCTCTCTCTGTGTTTA[G>C]AGAAAGAGAAAGACCCCAAGTACTGGCGAGACCAAGCGCAAGAGACACTGAAATATGCCC-3'

ClinVar aggregate classification (germline): Pathogenic/Likely pathogenic. Review status: criteria provided, multiple submitters, no conflicts (2 of 4 stars). 3 submissions from 3 submitters: Pathogenic (1); Likely pathogenic (2). Last evaluated 2025-08-29.

Conditions:
Adult hypophosphatasia. Identifiers: Orphanet 247676, Orphanet 436, MedGen C0268413, MONDO:1010154, OMIM 146300, MONDO:0007798.
Infantile hypophosphatasia. Identifiers: Orphanet 247651, Orphanet 436, MedGen C0268412, MONDO:1010169, OMIM 241500, MONDO:0009427.
Childhood hypophosphatasia. Identifiers: Orphanet 247667, Orphanet 436, MedGen C0220743, MONDO:1010168, OMIM 241510, MONDO:0009428.
Hypophosphatasia. Also called: Phosphoethanol-aminuria. Identifiers: Orphanet 436, MedGen C0020630, MeSH D007014, MONDO:0018570.

Submissions (3):

Genomenon, Inc
Classification: Pathogenic for Hypophosphatasia. Last evaluated: 2025-08-29. Review status: criteria provided, single submitter. Criteria: Genomenon Sequence Variant Interpretation Standards. Collection method: curation. Allele origin: germline. Affected: yes.
Comment: ALPL c.62-1G>C is a canonical splice variant located in the acceptor splice region of intron 2. This variant has been observed in at least one proband affected with hypophosphatasia (PMID:27777120;32973344). It is absent or not present at a significant frequency in gnomAD. In conclusion, we classify ALPL c.62-1G>C as a pathogenic variant.

GeneDx
Classification: Likely pathogenic. Last evaluated: 2025-06-11. Review status: criteria provided, single submitter. Criteria: GeneDx Variant Classification Process June 2021. Collection method: clinical testing. Allele origin: germline. Affected: yes.
Comment: Canonical splice site variant predicted to result in an in-frame loss of the adjacent exon in a gene for which loss of function is a known mechanism of disease; Not observed at significant frequency in large population cohorts (gnomAD); Observed apparently homozygous in the literature, however no clinical data was provided (PMID: 27777120); This variant is associated with the following publications: (PMID: 27777120)

Fulgent Genetics
Classification: Likely pathogenic for Adult hypophosphatasia; Infantile hypophosphatasia; Childhood hypophosphatasia. Last evaluated: 2024-01-22. Review status: criteria provided, single submitter. Criteria: ACMG Guidelines, 2015. Collection method: clinical testing. Allele origin: germline.

Literature cited by the submitters: PubMed 27777120 (cited by Genomenon, Inc); PubMed 32973344 (cited by Genomenon, Inc).